The following is an entry in ClinVar:

ClinVar aggregate classification (germline): Uncertain significance (1 of 4 stars; one submission).

gnomAD v4.1: 9 of 1,607,780 alleles (0.00056%); highest among the groups gnomAD compares: African/African-American, 0.0013%; no homozygotes.

Submission:

GeneDx
Classification: Uncertain significance. Last evaluated: 2025-01-09. Review status: criteria provided, single submitter. Criteria: GeneDx Variant Classification Process June 2021. Collection method: clinical testing. Allele origin: germline. Affected: yes.
Comment: Not observed at significant frequency in large population cohorts (gnomAD); In silico analysis indicates that this missense variant does not alter protein structure/function; Has not been previously published as pathogenic or benign to our knowledge

NM_001046.3(SLC12A2):c.2635A>G (p.Met879Val)

Gene: SLC12A2 (solute carrier family 12 member 2; plus strand). Cytogenetic location: 5q23.3.
Variant type: single nucleotide variant.
Coding change: c.2635A>G on transcript NM_001046.3 (MANE Select); coding-DNA position 2635, A replaced by G.
Protein change: p.Met879Val; replaces methionine 879 with valine.
Molecular consequence: missense variant. On other transcripts: non-coding transcript variant (1).
Genome position (GRCh38, 1-based): chr5:128,167,779, A>G. VCF-style: chr5-128167779-A-G. GRCh37 (hg19) VCF-style: chr5-127503471-A-G.
Other names: c.2635A>G, p.Met879Val (NM_001256461.2); short protein forms M879V.
Identifiers: ClinVar variation 4056868 (VCV004056868.1).